The following is an entry in ClinVar:

NM_007194.4(CHEK2):c.1197T>C (p.Val399=)

Gene: CHEK2 (checkpoint kinase 2; minus strand). Cytogenetic location: 22q12.1.
Variant type: single nucleotide variant.
Coding change: c.1197T>C on transcript NM_007194.4 (MANE Select); coding-DNA position 1197, T replaced by C.
Protein change: p.Val399=; no amino-acid change (valine 399 retained).
Molecular consequence: synonymous variant.
Genome position (GRCh38, 1-based): chr22:28,695,772, A>G on the plus strand (T>C on the coding strand, the complement: CHEK2 is on the minus strand). VCF-style: chr22-28695772-A-G. GRCh37 (hg19) VCF-style: chr22-29091760-A-G.
Other names: c.1326T>C, p.Val442= (NM_001005735.3); c.534T>C, p.Val178= (NM_001257387.3); c.996T>C, p.Val332= (NM_001349956.3); c.1110T>C, p.Val370= (NM_145862.3).
Identifiers: ClinVar variation 377660 (VCV000377660.23), dbSNP rs1057520268, ClinGen allele CA16608603.

ClinVar aggregate classification (germline): Benign/Likely benign. Review status: criteria provided, multiple submitters, no conflicts (2 of 4 stars). 6 submissions from 6 submitters: Benign (1); Likely benign (5). Last evaluated 2025-12-23.

Conditions:
Familial cancer of breast. Also called: BREAST CANCER, FAMILIAL; Hereditary breast cancer; hereditary breast carcinoma. Identifiers: Orphanet 227535, MedGen C0346153, MONDO:0016419, OMIM 114480. Disease mechanism: loss of function.
Hereditary cancer-predisposing syndrome. Also called: Tumor predisposition; Neoplastic Syndromes, Hereditary; Hereditary neoplastic syndrome; Hereditary Cancer Syndrome. Identifiers: Orphanet 140162, MedGen C0027672, MeSH D009386, MONDO:0015356.

Allele frequency attached by ClinVar (database versions not stated): gnomAD 0.00001; TOPMed 0.00001; gnomAD exomes 0.00002.
gnomAD v4.1: 26 of 1,613,788 alleles (0.0016%); highest among the groups gnomAD compares: Non-Finnish European, 0.0021%; no homozygotes.

Submissions (6):

Labcorp Genetics (formerly Invitae), Labcorp
Classification: Likely benign for Familial cancer of breast. Last evaluated: 2025-12-23. Review status: criteria provided, single submitter. Criteria: Invitae Variant Classification Sherloc (09022015). Collection method: clinical testing. Allele origin: germline.

Myriad Genetics, Inc.
Classification: Benign for Familial cancer of breast. Last evaluated: 2024-10-07. Review status: criteria provided, single submitter. Criteria: Myriad Autosomal Dominant, Autosomal Recessive and X-Linked Classification Criteria (2023). Collection method: clinical testing. Allele origin: unknown.
Comment: This variant is considered benign. This variant is a silent/synonymous amino acid change and it is not expected to impact splicing.

GeneDx
Classification: Likely benign. Last evaluated: 2021-03-08. Review status: criteria provided, single submitter. Criteria: GeneDx Variant Classification Process June 2021. Collection method: clinical testing. Allele origin: germline. Affected: yes.

Blueprint Genetics
Classification: Likely benign. Last evaluated: 2020-09-21. Review status: criteria provided, single submitter. Criteria: ACMG Guidelines, 2015. Collection method: clinical testing. Allele origin: germline.

Color Diagnostics, LLC DBA Color Health
Classification: Likely benign for Hereditary cancer-predisposing syndrome. Last evaluated: 2017-12-19. Review status: criteria provided, single submitter. Criteria: ACMG Guidelines, 2015. Collection method: clinical testing. Allele origin: germline.

Ambry Genetics
Classification: Likely benign for Hereditary cancer-predisposing syndrome. Last evaluated: 2015-10-11. Review status: criteria provided, single submitter. Criteria: Ambry Variant Classification Scheme 2023. Collection method: clinical testing. Allele origin: germline.